The following is an entry in ClinVar:

ClinVar aggregate classification (germline): Uncertain significance (1 of 4 stars; one submission).

Conditions:
Adenylosuccinate lyase deficiency (ADSLD). Also called: ADSL DEFICIENCY. Identifiers: Orphanet 46, MedGen C0268126, MONDO:0007068, OMIM 103050.

Submission:

Labcorp Genetics (formerly Invitae), Labcorp
Classification: Uncertain significance for Adenylosuccinate lyase deficiency. Last evaluated: 2022-08-09. Review status: criteria provided, single submitter. Criteria: Invitae Variant Classification Sherloc (09022015). Collection method: clinical testing. Allele origin: germline.
Comment: This variant occurs in a non-coding region of the ADSL gene. It does not change the encoded amino acid sequence of the ADSL protein. This variant is not present in population databases (gnomAD no frequency). This variant has not been reported in the literature in individuals affected with ADSL-related conditions. Experimental studies and prediction algorithms are not available or were not evaluated, and the functional significance of this variant is currently unknown. In summary, the available evidence is currently insufficient to determine the role of this variant in disease. Therefore, it has been classified as a Variant of Uncertain Significance.

NC_000022.11:g.40345670G>T

Gene: ADSL (adenylosuccinate lyase; plus strand). Cytogenetic location: 22q13.1.
Variant type: single nucleotide variant.
Genome position: GRCh38 VCF-style: chr22-40345670-G-T. GRCh37 (hg19) VCF-style: chr22-40741674-G-T.
Identifiers: ClinVar variation 1897605 (VCV001897605.3), dbSNP rs1007438066, ClinGen allele CA324446340.
Genomic context (GRCh38, chr22:40,345,670, plus strand): 5'-TTCTATTTCTATTTATTTATTTAATTCTTTTATTTTTTGGAGACGGAGTCTCGCTCTGTC[G>T]CCCAGGCTGGAGTGCAGTGGCGCGATCTTGGCTCACTGCAACCTCCGCCTTCCGGGTTCA-3'